The following is an entry in ClinVar:

ClinVar aggregate classification (germline): Uncertain significance. Review status: criteria provided, multiple submitters, no conflicts (2 of 4 stars). 2 submissions from 2 submitters: Uncertain significance (2). Last evaluated 2022-03-19.

Allele frequency attached by ClinVar (database versions not stated): ExAC 0.00003.
gnomAD v4.1: 23 of 1,597,098 alleles (0.0014%); highest among the groups gnomAD compares: East Asian, 0.018%; no homozygotes.

Submissions (2):

Labcorp Genetics (formerly Invitae), Labcorp
Classification: Uncertain significance. Last evaluated: 2022-03-19. Review status: criteria provided, single submitter. Criteria: Invitae Variant Classification Sherloc (09022015). Collection method: clinical testing. Allele origin: germline.
Comment: This sequence change replaces glycine, which is neutral and non-polar, with arginine, which is basic and polar, at codon 79 of the OTOF protein (p.Gly79Arg). This variant is present in population databases (rs727504911, gnomAD 0.04%). This variant has not been reported in the literature in individuals affected with OTOF-related conditions. ClinVar contains an entry for this variant (Variation ID: 179506). Algorithms developed to predict the effect of missense changes on protein structure and function are either unavailable or do not agree on the potential impact of this missense change (SIFT: "Deleterious"; PolyPhen-2: "Probably Damaging"; Align-GVGD: "Class C15"). In summary, the available evidence is currently insufficient to determine the role of this variant in disease. Therefore, it has been classified as a Variant of Uncertain Significance.

Laboratory for Molecular Medicine, Mass General Brigham Personalized Medicine
Classification: Uncertain significance. Last evaluated: 2017-12-26. Review status: criteria provided, single submitter. Criteria: LMM Criteria. Collection method: clinical testing. Allele origin: germline. Observed: 2 variant alleles.
Comment: It has been identified in 7/16640 of East Asian chromosomes by the Genome Aggregation Database (gnomAD; dbSNP rs727504911). Although this variant has been seen in the general population, its frequency is not high enough to rule out a pathogenic ro le. Computational prediction tools and conservation analyses suggest that this v ariant may impact the protein, though this information is not predictive enough to determine pathogenicity. In summary, the clinical significance of the p.Gly79 Arg variant is uncertain. ACMG/AMP Criteria applied: PP3.

NM_194248.3(OTOF):c.235G>A (p.Gly79Arg)

Gene: OTOF (otoferlin; minus strand). Cytogenetic location: 2p23.3.
Variant type: single nucleotide variant.
Coding change: c.235G>A on transcript NM_194248.3 (MANE Select); coding-DNA position 235, G replaced by A.
Protein change: p.Gly79Arg; replaces glycine 79 with arginine.
Molecular consequence: missense variant.
Genome position (GRCh38, 1-based): chr2:26,519,102, C>T on the plus strand (G>A on the coding strand, the complement: OTOF is on the minus strand). VCF-style: chr2-26519102-C-T. GRCh37 (hg19) VCF-style: chr2-26741970-C-T.
Other names: c.235G>A, p.Gly79Arg (NM_001287489.2); short protein forms G79R.
Identifiers: ClinVar variation 179506 (VCV000179506.11), dbSNP rs727504911, ClinGen allele CA184557.